The following is an entry in ClinVar:

NM_000059.4(BRCA2):c.7934del (p.Arg2645fs)

Gene: BRCA2 (BRCA2 DNA repair associated; plus strand). Cytogenetic location: 13q13.1.
Variant type: Deletion.
Coding change: c.7934del on transcript NM_000059.4 (MANE Select); coding-DNA position 7934, one base deleted (G; older notation c.7934delG).
Protein change: p.Arg2645fs; shifts the reading frame from arginine 2645.
Molecular consequence: frameshift variant.
Genome position (GRCh38, 1-based): chr13:32,362,651, G deleted. VCF-style (leftmost placement, unchanged base first): chr13-32362650-AG-A. GRCh37 (hg19) VCF-style: chr13-32936787-AG-A.
Other names: NP_000050.3:p.Arg2645AsnfsTer3; 8162delG; c.7934delG (NM_000059.3); short protein forms R2645fs.
Identifiers: ClinVar variation 52440 (VCV000052440.59), dbSNP rs80359688, ClinGen allele CA025344.

ClinVar aggregate classification (germline): Pathogenic. Review status: reviewed by expert panel (3 of 4 stars). 19 submissions from 19 submitters: Pathogenic (1). 18 of the submissions do not count toward it. Last evaluated 2016-04-22.

Conditions:
Hereditary breast ovarian cancer syndrome. Also called: Breast and ovarian cancer; Hereditary breast and ovarian cancer; Hereditary breast and ovarian cancer syndrome (HBOC); Hereditary breast and ovarian cancer syndrome; BRCA1- and BRCA2-Associated Hereditary Breast and Ovarian Cancer; Hereditary breast and/or ovarian cancer syndrome. Identifiers: Orphanet 145, MedGen C0677776, MeSH D061325, MONDO:0003582. Disease mechanism: loss of function.
Fanconi anemia complementation group D1. Also called: BRCA2-Related Fanconi Anemia. Identifiers: Orphanet 319462, MedGen C1838457, MONDO:0011584, OMIM 605724.
Inherited breast cancer and ovarian cancer.
Pancreatic cancer, susceptibility to, 2. Identifiers: Orphanet 1333, MedGen C3150546, MONDO:0013235, OMIM 613347.
Glioma susceptibility 3 (GLM3). Also called: Glioblastoma 3. Identifiers: Orphanet 182067, Orphanet 360, MedGen C2751641, MONDO:0013093, OMIM 613029.
Familial prostate cancer. Also called: Hereditary Prostate Cancer. Identifiers: MedGen C2931456, MONDO:0700275, OMIM 176807.
Breast-ovarian cancer, familial, susceptibility to, 2 (BROVCA2). Also called: BRCA2 Hereditary Breast and Ovarian Cancer. Identifiers: Orphanet 145, MedGen C2675520, MONDO:0012933, OMIM 612555. Disease mechanism: loss of function.
Medulloblastoma (MDB). Also called: Medulloblastoma, somatic; MEDULLOBLASTOMA PREDISPOSITION SYNDROME. Identifiers: Orphanet 616, MedGen C0025149, MeSH D008527, MONDO:0007959, OMIM 155255, HP:0002885.
Wilms tumor 1 (WT1). Also called: Wilms tumor, somatic. Identifiers: Orphanet 654, MedGen CN033288, MONDO:0008679, OMIM 194070.
Familial cancer of breast. Also called: BREAST CANCER, FAMILIAL; hereditary breast carcinoma; Hereditary breast cancer. Identifiers: Orphanet 227535, MedGen C0346153, MONDO:0016419, OMIM 114480. Disease mechanism: loss of function.
Breast and/or ovarian cancer. Identifiers: MedGen CN221562.
Hereditary cancer-predisposing syndrome. Also called: Neoplastic Syndromes, Hereditary; Tumor predisposition; Hereditary Cancer Syndrome; Hereditary neoplastic syndrome. Identifiers: Orphanet 140162, MedGen C0027672, MeSH D009386, MONDO:0015356.

Allele frequency attached by ClinVar (database versions not stated): gnomAD exomes below 0.00001.

Submissions 1 to 13 of 19:

Evidence-based Network for the Interpretation of Germline Mutant Alleles (ENIGMA)
Classification: Pathogenic for Breast-ovarian cancer, familial, susceptibility to, 2. Last evaluated: 2016-04-22. Review status: reviewed by expert panel. Criteria: ENIGMA BRCA1/2 Classification Criteria (2015). Collection method: curation. Allele origin: germline.
Comment: Variant allele predicted to encode a truncated non-functional protein.

Genetics Laboratory, Great Ormond Street Hospital NHS Foundation Trust, North Thames Genomic Laboratory Hub
Classification: Pathogenic for Inherited breast cancer and ovarian cancer. Last evaluated: 2026-08-18. Review status: criteria provided, single submitter. Criteria: CanVIG BRCA Gene Specific V1.22. Collection method: clinical testing. Allele origin: germline. Affected: yes. Not counted in ClinVar's aggregate classification.
Comment: PS4_moderate, PM2_supporting, PVS1_very-strong, PM5_strong

Labcorp Genetics (formerly Invitae), Labcorp
Classification: Pathogenic for Hereditary breast ovarian cancer syndrome. Last evaluated: 2026-02-03. Review status: criteria provided, single submitter. Criteria: Invitae Variant Classification Sherloc (09022015). Collection method: clinical testing. Allele origin: germline. Not counted in ClinVar's aggregate classification.
Comment: This sequence change creates a premature translational stop signal (p.Arg2645Asnfs*3) in the BRCA2 gene. It is expected to result in an absent or disrupted protein product. Loss-of-function variants in BRCA2 are known to be pathogenic (PMID: 20104584). This variant is not present in population databases (gnomAD no frequency). This premature translational stop signal has been observed in individual(s) with breast and/or ovarian cancer (PMID: 8988179, 22638694, 23885733, 24728189, 26577449, 26915939). This variant is also known as 8162delG. ClinVar contains an entry for this variant (Variation ID: 52440). For these reasons, this variant has been classified as Pathogenic.

Women's Health and Genetics/Laboratory Corporation of America, LabCorp
Classification: Pathogenic for Hereditary breast ovarian cancer syndrome. Last evaluated: 2025-10-27. Review status: criteria provided, single submitter. Criteria: LabCorp Variant Classification Summary - May 2015. Collection method: clinical testing. Allele origin: germline. Not counted in ClinVar's aggregate classification.
Comment: Variant summary: BRCA2 c.7934delG (p.Arg2645AsnfsX3), legacy Name: 8162delG, results in a premature termination codon, predicted to cause a truncation of the encoded protein or absence of the protein due to nonsense mediated decay, which are commonly known mechanisms for disease. The variant was absent in 254374 control chromosomes. c.7934delG has been observed in individual(s) affected with Hereditary Breast And Ovarian Cancer Syndrome and has been suggested to be a founder mutation in the Afrikaner population (Seymour_2016). The following publication has been ascertained in the context of this evaluation (PMID: 26915939). ClinVar contains an entry for this variant (Variation ID: 52440). Based on the evidence outlined above, the variant was classified as pathogenic.

Molecular Pathology, Peter Maccallum Cancer Centre
Classification: Pathogenic for Breast-ovarian cancer, familial, susceptibility to, 2. Last evaluated: 2025-05-12. Review status: criteria provided, single submitter. Criteria: ACMG Guidelines, 2015. Collection method: clinical testing. Allele origin: germline. Inheritance: Autosomal dominant inheritance. Not counted in ClinVar's aggregate classification.

Department of Pathology and Laboratory Medicine, Sinai Health System
Classification: Pathogenic for Familial cancer of breast; Medulloblastoma; Familial prostate cancer; Wilms tumor 1; Fanconi anemia complementation group D1; Breast-ovarian cancer, familial, susceptibility to, 2; Glioma susceptibility 3; Pancreatic cancer, susceptibility to, 2. Last evaluated: 2024-12-17. Review status: criteria provided, single submitter. Criteria: ACMG Guidelines, 2015. Collection method: clinical testing. Allele origin: germline. Not counted in ClinVar's aggregate classification.

Mayo Clinic Laboratories, Mayo Clinic
Classification: Pathogenic. Last evaluated: 2024-04-23. Review status: criteria provided, single submitter. Criteria: ACMG Guidelines, 2015. Collection method: clinical testing. Allele origin: germline. Observed: 1 variant allele. Not counted in ClinVar's aggregate classification.
Comment: PM2, PM5_strong, PVS1

Color Diagnostics, LLC DBA Color Health
Classification: Pathogenic for Hereditary cancer-predisposing syndrome. Last evaluated: 2023-12-29. Review status: criteria provided, single submitter. Criteria: ACMG Guidelines, 2015. Collection method: clinical testing. Allele origin: germline. Not counted in ClinVar's aggregate classification.
Comment: This variant deletes 1 nucleotide in exon 17 of the BRCA2 gene, creating a frameshift and premature translation stop signal. This variant is expected to result in an absent or non-functional protein product. This variant is a well-known South African founder mutation and has been reported in more than 10 individuals affected with breast and ovarian cancer (PMID: 8988179, 22638694, 23885733, 24728189, 26577449, 26915939, 32375709, 33471991; Leiden Open Variation Database DB-ID BRCA2_001450, 34660253, Color internal data). This variant has not been identified in the general population by the Genome Aggregation Database (gnomAD). Loss of BRCA2 function is a known mechanism of disease. Based on the available evidence, this variant is classified as Pathogenic.

Ambry Genetics
Classification: Pathogenic for Hereditary cancer-predisposing syndrome. Last evaluated: 2023-07-12. Review status: criteria provided, single submitter. Criteria: Ambry Variant Classification Scheme 2023. Collection method: clinical testing. Allele origin: germline. Not counted in ClinVar's aggregate classification.
Comment: The c.7934delG pathogenic mutation, located in coding exon 16 of the BRCA2 gene, results from a deletion of one nucleotide at nucleotide position 7934, causing a translational frameshift with a predicted alternate stop codon (p.R2645Nfs*3). This pathogenic mutation has been reported in one family with three individuals affected with breast cancer at or under the age of 60 (Gayther SA et al. Nat Genet. 1997 Jan;15(1):103-5). This pathogenic mutation is also a well described African founder mutation (van der Merwe NC et al. Clin Genet. 2012 Feb;81(2):179-84; Schoeman M et al. S Afr Med J. 2013 Jun 25;103(8):529-33; Meyer S et al. J Med Genet. 2014 Feb;51(2):71-5; Seymour HJ et al. S. Afr. Med. J., 2016 Feb;106:264-7). This variant is considered to be rare based on population cohorts in the Genome Aggregation Database (gnomAD). Of note, this may also be referred to as 8162delG in some literature. In addition to the clinical data presented in the literature, this alteration is expected to result in loss of function by premature protein truncation or nonsense-mediated mRNA decay. As such, this alteration is interpreted as a disease-causing mutation.

Genetics and Molecular Pathology, SA Pathology
Classification: Pathogenic for Pancreatic cancer, susceptibility to, 2. Last evaluated: 2023-02-14. Review status: criteria provided, single submitter. Criteria: ACMG Guidelines, 2015. Collection method: clinical testing. Allele origin: germline. Affected: yes. Not counted in ClinVar's aggregate classification.

Baylor Genetics
Classification: Pathogenic for Familial cancer of breast. Last evaluated: 2022-09-08. Review status: criteria provided, single submitter. Criteria: ACMG Guidelines, 2015. Collection method: clinical testing. Allele origin: unknown. Not counted in ClinVar's aggregate classification.

National Health Laboratory Service, Universitas Academic Hospital and University of the Free State
Classification: Pathogenic for Hereditary breast ovarian cancer syndrome. Last evaluated: 2022-04-19. Review status: criteria provided, single submitter. Criteria: ACMG Guidelines, 2015. Collection method: clinical testing. Allele origin: germline. Affected: yes. Observed: 21 variant alleles. Not counted in ClinVar's aggregate classification.

Revvity Omics, Revvity
Classification: Pathogenic. Last evaluated: 2022-02-22. Review status: criteria provided, single submitter. Criteria: ACMG Guidelines, 2015. Collection method: clinical testing. Allele origin: germline. Not counted in ClinVar's aggregate classification.